The following is an entry in ClinVar:

ClinVar aggregate classification (germline): Uncertain significance (1 of 4 stars; one submission).

Conditions:
Combined immunodeficiency due to LRBA deficiency. Also called: Common variable immunodeficiency 8, with autoimmunity. Identifiers: Orphanet 445018, MedGen C3553512, MONDO:0013863, OMIM 614700.

Submission:

Labcorp Genetics (formerly Invitae), Labcorp
Classification: Uncertain significance for Combined immunodeficiency due to LRBA deficiency. Last evaluated: 2022-08-23. Review status: criteria provided, single submitter. Criteria: Invitae Variant Classification Sherloc (09022015). Collection method: clinical testing. Allele origin: germline.
Comment: This variant, c.8548_8550del, results in the deletion of 1 amino acid(s) of the LRBA protein (p.Asn2850del), but otherwise preserves the integrity of the reading frame. This variant is present in population databases (no rsID available, gnomAD 0.03%). This variant has not been reported in the literature in individuals affected with LRBA-related conditions. ClinVar contains an entry for this variant (Variation ID: 1425772). Experimental studies and prediction algorithms are not available or were not evaluated, and the functional significance of this variant is currently unknown. In summary, the available evidence is currently insufficient to determine the role of this variant in disease. Therefore, it has been classified as a Variant of Uncertain Significance.

NM_001364905.1(LRBA):c.8515_8517del (p.Asn2839del)

Gene: LRBA (LPS responsive beige-like anchor protein; minus strand). Cytogenetic location: 4q31.3.
Variant type: Deletion.
Coding change: c.8515_8517del on transcript NM_001364905.1 (MANE Select); coding-DNA positions 8515 to 8517, 3 bases deleted (AAC; older notation c.8515_8517delAAC).
Protein change: p.Asn2839del; deletes asparagine 2839.
Molecular consequence: inframe deletion. On other transcripts: inframe indel (2).
Genome position (GRCh38, 1-based): chr4:150,265,764-150,265,766, GTT deleted on the plus strand (AAC on the coding strand, the reverse complement: LRBA is on the minus strand); deleting any 3 consecutive bases within chr4:150,265,764-150,265,768 gives the same sequence; the c. name uses the placement nearest the transcript's 3' end. VCF-style (leftmost placement, unchanged base first): chr4-150265763-CGTT-C. GRCh37 (hg19) VCF-style: chr4-151186915-CGTT-C.
Other names: c.8510_8512delACA, p.Asn2838del (NM_001199282.3); c.8530_8532del, p.Asn2844del (NM_001367550.1); c.8546_8548delACA, p.Asn2850del (NM_006726.5); short protein forms N2838del, N2850del, N2844del, N2839del.
Identifiers: ClinVar variation 1425772 (VCV001425772.3), dbSNP rs1326717729, ClinGen allele CA555563126.